The following is an entry in ClinVar:

NM_005159.5(ACTC1):c.516T>C (p.Ala172=)

Genes: GJD2-DT (GJD2 divergent transcript; plus strand), ACTC1 (actin alpha cardiac muscle 1; minus strand). Cytogenetic location: 15q14.
Variant type: single nucleotide variant.
Coding change: c.516T>C on transcript NM_005159.5 (MANE Select); coding-DNA position 516, T replaced by C.
Protein change: p.Ala172=; no amino-acid change (alanine 172 retained).
Molecular consequence: synonymous variant.
Genome position (GRCh38, 1-based): chr15:34,792,508, A>G on the plus strand (T>C on the coding strand, the complement: ACTC1 is on the minus strand). VCF-style: chr15-34792508-A-G. GRCh37 (hg19) VCF-style: chr15-35084709-A-G.
Identifiers: ClinVar variation 45182 (VCV000045182.18), dbSNP rs397517064, ClinGen allele CA019807.

ClinVar aggregate classification (germline): Likely benign. Review status: criteria provided, multiple submitters, no conflicts (2 of 4 stars). 6 submissions from 6 submitters: Likely benign (5). 1 of the submissions does not count toward it. Last evaluated 2025-07-06.

Conditions:
ACTC1-related disorder. Also called: ACTC1-related condition.
Cardiovascular phenotype. Identifiers: MedGen CN230736.
Hypertrophic cardiomyopathy 11. Also called: ACTC1-Related Familial Hypertrophic Cardiomyopathy. Identifiers: MedGen C2677506, MONDO:0012799, OMIM 612098.
Dilated cardiomyopathy 1R (CMD1R). Identifiers: Orphanet 154, Orphanet 54260, MedGen C3150681, MONDO:0013261, OMIM 613424.
Atrial septal defect 5 (ASD5). Identifiers: Orphanet 1478, MedGen C2748552, MONDO:0013011, OMIM 612794.
Hypertrophic cardiomyopathy. Also called: HYPERTROPHIC MYOCARDIOPATHY. Identifiers: Orphanet 217569, MedGen C0007194, MeSH D002312, MONDO:0005045, HP:0001639.

Allele frequency attached by ClinVar (database versions not stated): gnomAD exomes below 0.00001; TOPMed below 0.00001.
gnomAD v4.1: 2 of 1,614,168 alleles (0.00012%); highest among the groups gnomAD compares: Non-Finnish European, 0.000085%; no homozygotes.

Submissions (6):

Labcorp Genetics (formerly Invitae), Labcorp
Classification: Likely benign for Dilated cardiomyopathy 1R; Hypertrophic cardiomyopathy 11; Atrial septal defect 5. Last evaluated: 2025-07-06. Review status: criteria provided, single submitter. Criteria: Invitae Variant Classification Sherloc (09022015). Collection method: clinical testing. Allele origin: germline.

Ambry Genetics
Classification: Likely benign for Cardiovascular phenotype. Last evaluated: 2024-05-12. Review status: criteria provided, single submitter. Criteria: Ambry Variant Classification Scheme 2023. Collection method: clinical testing. Allele origin: germline.

All of Us Research Program, National Institutes of Health
Classification: Likely benign for Hypertrophic cardiomyopathy. Last evaluated: 2023-11-20. Review status: criteria provided, single submitter. Criteria: ACMG Guidelines, 2015. Collection method: clinical testing. Allele origin: germline. Inheritance: Autosomal dominant inheritance. Observed: 3 variant alleles, 3 heterozygotes.
Comment: This study involves interpretation of variants in research participants for the purpose of population health screening. Participant phenotype was not available at the time of variant classification. Additional details can be found in publication PMID: 35346344, PMCID: PMC8962531

GeneDx
Classification: Likely benign. Last evaluated: 2019-08-28. Review status: criteria provided, single submitter. Criteria: GeneDx Variant Classification Process June 2021. Collection method: clinical testing. Allele origin: germline. Affected: yes.

Laboratory for Molecular Medicine, Mass General Brigham Personalized Medicine
Classification: Likely benign. Last evaluated: 2010-04-16. Review status: criteria provided, single submitter. Criteria: LMM Criteria. Collection method: clinical testing. Allele origin: germline. Observed: 1 variant allele.

PreventionGenetics, part of Exact Sciences
Classification: Likely benign for ACTC1-related condition. Last evaluated: 2019-08-06. Review status: no assertion criteria provided. Collection method: clinical testing. Allele origin: germline. Not counted in ClinVar's aggregate classification.
Comment: This variant is classified as likely benign based on ACMG/AMP sequence variant interpretation guidelines (Richards et al. 2015 PMID: 25741868, with internal and published modifications).